The following is an entry in ClinVar:

ClinVar aggregate classification (germline): Uncertain significance (1 of 4 stars; one submission).

Conditions:
Holoprosencephaly 2 (HPE2). Identifiers: Orphanet 2162, MedGen C1834877, MONDO:0007999, OMIM 157170.

Submission:

Labcorp Genetics (formerly Invitae), Labcorp
Classification: Uncertain significance for Holoprosencephaly 2. Last evaluated: 2025-03-18. Review status: criteria provided, single submitter. Criteria: Invitae Variant Classification Sherloc (09022015). Collection method: clinical testing. Allele origin: germline.
Comment: This sequence change replaces glutamic acid, which is acidic and polar, with glutamine, which is neutral and polar, at codon 329 of the SIX3 protein (p.Glu329Gln). This variant is not present in population databases (gnomAD no frequency). This variant has not been reported in the literature in individuals affected with SIX3-related conditions. An algorithm developed to predict the effect of missense changes on protein structure and function (PolyPhen-2) suggests that this variant is likely to be disruptive. In summary, the available evidence is currently insufficient to determine the role of this variant in disease. Therefore, it has been classified as a Variant of Uncertain Significance.

NM_005413.4(SIX3):c.985G>C (p.Glu329Gln)

Gene: SIX3 (SIX homeobox 3; plus strand). Cytogenetic location: 2p21.
Variant type: single nucleotide variant.
Coding change: c.985G>C on transcript NM_005413.4 (MANE Select); coding-DNA position 985, G replaced by C.
Protein change: p.Glu329Gln; replaces glutamic acid 329 with glutamine.
Molecular consequence: missense variant.
Genome position (GRCh38, 1-based): chr2:44,944,746, G>C. VCF-style: chr2-44944746-G-C. GRCh37 (hg19) VCF-style: chr2-45171885-G-C.
Other names: short protein forms E329Q.
Identifiers: ClinVar variation 3632681 (VCV003632681.2).